The following is an entry in ClinVar:

ClinVar aggregate classification (germline): Likely benign (1 of 4 stars; one submission).

Conditions:
COL18A1-related disorder. Also called: COL18A1-related disorders; COL18A1-related condition.

gnomAD v4.1: 2 of 1,548,274 alleles (0.00013%); highest among the groups gnomAD compares: South Asian, 0.0024%; no homozygotes.

Submission:

PreventionGenetics, part of Exact Sciences
Classification: Likely benign for COL18A1-related condition. Last evaluated: 2025-03-28. Review status: criteria provided, single submitter. Criteria: ACMG Guidelines, 2015. Collection method: clinical testing. Allele origin: germline.
Comment: This variant is classified as likely benign based on ACMG/AMP sequence variant interpretation guidelines (Richards et al. 2015 PMID: 25741868, with internal and published modifications).

NM_001379500.1(COL18A1):c.107-11851C>A

Gene: COL18A1 (collagen type XVIII alpha 1 chain; plus strand). Cytogenetic location: 21q22.3.
Variant type: single nucleotide variant.
Coding change: c.107-11851C>A on transcript NM_001379500.1 (MANE Select); 11851 bases into the intron before coding-DNA position 107, C replaced by A.
Molecular consequence: intron variant. On other transcripts: synonymous variant (1).
Genome position (GRCh38, 1-based): chr21:45,456,391, C>A. VCF-style: chr21-45456391-C-A. GRCh37 (hg19) VCF-style: chr21-46876305-C-A.
Other names: c.861C>A, p.Gly287= (NM_130444.3); c.646+215C>A (NM_030582.4).
Identifiers: ClinVar variation 5001919 (VCV005001919.1).